The following is an entry in ClinVar:

NM_000081.4(LYST):c.5866C>T (p.Gln1956Ter)

Gene: LYST (lysosomal trafficking regulator; minus strand). Cytogenetic location: 1q42.3.
Variant type: single nucleotide variant.
Coding change: c.5866C>T on transcript NM_000081.4 (MANE Select); coding-DNA position 5866, C replaced by T.
Protein change: p.Gln1956Ter; replaces glutamine 1956 with a stop codon.
Molecular consequence: nonsense.
Genome position (GRCh38, 1-based): chr1:235,770,216, G>A on the plus strand (C>T on the coding strand, the complement: LYST is on the minus strand). VCF-style: chr1-235770216-G-A. GRCh37 (hg19) VCF-style: chr1-235933516-G-A.
Other names: c.5866C>T, p.Gln1956Ter (NM_001301365.1); short protein forms Q1956*.
Identifiers: ClinVar variation 3728627 (VCV003728627.2).

ClinVar aggregate classification (germline): Pathogenic (1 of 4 stars; one submission).

Conditions:
Chédiak-Higashi syndrome (CHS). Also called: Chediak-Higashi Syndrome. Identifiers: Orphanet 167, MedGen C0007965, MONDO:0008963, OMIM 214500.

Submission:

Labcorp Genetics (formerly Invitae), Labcorp
Classification: Pathogenic for Chédiak-Higashi syndrome. Last evaluated: 2025-01-07. Review status: criteria provided, single submitter. Criteria: Invitae Variant Classification Sherloc (09022015). Collection method: clinical testing. Allele origin: germline.
Comment: This sequence change creates a premature translational stop signal (p.Gln1956*) in the LYST gene. It is expected to result in an absent or disrupted protein product. Loss-of-function variants in LYST are known to be pathogenic (PMID: 9215679, 11857544). This variant is not present in population databases (gnomAD no frequency). This variant has not been reported in the literature in individuals affected with LYST-related conditions. Algorithms developed to predict the effect of sequence changes on RNA splicing suggest that this variant may disrupt the consensus splice site. For these reasons, this variant has been classified as Pathogenic.

Literature cited by the submitters: PubMed 9215679; PubMed 11857544.